The following is an entry in ClinVar:

NM_130849.4(SLC39A4):c.1334del (p.Gly445fs)

Gene: SLC39A4 (solute carrier family 39 member 4; minus strand). Cytogenetic location: 8q24.3.
Variant type: Deletion.
Coding change: c.1334del on transcript NM_130849.4 (MANE Select); coding-DNA position 1334, one base deleted (G; older notation c.1334delG).
Protein change: p.Gly445fs; shifts the reading frame from glycine 445.
Molecular consequence: frameshift variant.
Genome position (GRCh38, 1-based): chr8:144,413,835, C deleted on the plus strand (G on the coding strand, the reverse complement: SLC39A4 is on the minus strand); the first of 5 consecutive C bases (chr8:144,413,835-144,413,839); deleting any one gives the same sequence. VCF-style (leftmost placement, unchanged base first): chr8-144413834-GC-G. GRCh37 (hg19) VCF-style: chr8-145639218-GC-G.
Other names: c.1052del, p.Gly351fs (NM_001374839.1); c.1259del, p.Gly420fs (NM_017767.3); short protein forms G351fs, G420fs, G445fs.
Identifiers: ClinVar variation 2709237 (VCV002709237.3), dbSNP rs2537429945, ClinGen allele CA2689096753.
Genomic context (GRCh38, chr8:144,413,834, plus strand): 5'-GGGGGGCTTGGGCTGCCGGAGCTCGCTGGGTGCCAGCTGCAGGGACACACCGTGGCTGTG[GC>G]CCCCGTGGCTATGGCTGCTGTGGCCGCAGGGCCCGTCCTCCAGGTCCTGTGAGGGTAGGT-3'

ClinVar aggregate classification (germline): Pathogenic (1 of 4 stars; one submission).

Submission:

Labcorp Genetics (formerly Invitae), Labcorp
Classification: Pathogenic. Last evaluated: 2024-01-13. Review status: criteria provided, single submitter. Criteria: Invitae Variant Classification Sherloc (09022015). Collection method: clinical testing. Allele origin: germline.
Comment: This sequence change creates a premature translational stop signal (p.Gly445Alafs*38) in the SLC39A4 gene. It is expected to result in an absent or disrupted protein product. Loss-of-function variants in SLC39A4 are known to be pathogenic (PMID: 12955721). This variant is not present in population databases (gnomAD no frequency). This variant has not been reported in the literature in individuals affected with SLC39A4-related conditions. Algorithms developed to predict the effect of sequence changes on RNA splicing suggest that this variant may create or strengthen a splice site. For these reasons, this variant has been classified as Pathogenic.

Literature cited by the submitters: PubMed 12955721.